The following is an entry in ClinVar:

NM_000122.2(ERCC3):c.1026C>T (p.Cys342=)

Gene: ERCC3 (ERCC excision repair 3, TFIIH core complex helicase subunit; minus strand). Cytogenetic location: 2q14.3.
Variant type: single nucleotide variant.
Coding change: c.1026C>T on transcript NM_000122.2 (MANE Select); coding-DNA position 1026, C replaced by T.
Protein change: p.Cys342=; no amino-acid change (cysteine 342 retained).
Molecular consequence: synonymous variant.
Genome position (GRCh38, 1-based): chr2:127,288,661, G>A on the plus strand (C>T on the coding strand, the complement: ERCC3 is on the minus strand). VCF-style: chr2-127288661-G-A. GRCh37 (hg19) VCF-style: chr2-128046237-G-A.
Other names: c.834C>T, p.Cys278= (NM_001303416.2, NM_001303418.2).
Identifiers: ClinVar variation 331086 (VCV000331086.8), dbSNP rs752026166, ClinGen allele CA1858385.

ClinVar aggregate classification (germline): Conflicting classifications of pathogenicity. Review status: criteria provided, conflicting classifications (1 of 4 stars). 3 submissions from 3 submitters: Uncertain significance (2); Likely benign (1). Last evaluated 2022-03-10.

Conditions:
Xeroderma pigmentosum group B. Also called: XPB/CS; XERODERMA PIGMENTOSUM B/COCKAYNE SYNDROME; ERCC3-Related Xeroderma Pigmentosum; XP, GROUP B. Identifiers: MedGen C0268136, MONDO:0012531, OMIM 610651.
Xeroderma pigmentosum (XP). Identifiers: Orphanet 910, MedGen C0043346, MONDO:0019600.

Allele frequency attached by ClinVar (database versions not stated): gnomAD exomes 0.00001 and 0.00005; TOPMed 0.00001; gnomAD 0.00003; ExAC 0.00004.
gnomAD v4.1: 29 of 1,613,288 alleles (0.0018%); highest among the groups gnomAD compares: Admixed American, 0.023%; no homozygotes.

Submissions (3):

Labcorp Genetics (formerly Invitae), Labcorp
Classification: Uncertain significance. Last evaluated: 2022-03-10. Review status: criteria provided, single submitter. Criteria: Invitae Variant Classification Sherloc (09022015). Collection method: clinical testing. Allele origin: germline.
Comment: This variant has not been reported in the literature in individuals affected with ERCC3-related conditions. In summary, the available evidence is currently insufficient to determine the role of this variant in disease. Therefore, it has been classified as a Variant of Uncertain Significance. Algorithms developed to predict the effect of sequence changes on RNA splicing suggest that this variant is not likely to affect RNA splicing. ClinVar contains an entry for this variant (Variation ID: 331086). This variant is present in population databases (rs752026166, gnomAD 0.03%). This sequence change affects codon 342 of the ERCC3 mRNA. It is a 'silent' change, meaning that it does not change the encoded amino acid sequence of the ERCC3 protein. It affects a nucleotide within the consensus splice site.

Sema4
Classification: Likely benign for Xeroderma pigmentosum. Last evaluated: 2021-12-21. Review status: criteria provided, single submitter. Criteria: Sema4 Curation Guidelines. Collection method: curation. Allele origin: germline.

Illumina Laboratory Services, Illumina
Classification: Uncertain significance for Xeroderma pigmentosum group B. Last evaluated: 2018-01-13. Review status: criteria provided, single submitter. Criteria: ICSL Variant Classification Criteria 13 December 2019. Collection method: clinical testing. Allele origin: germline.